The following is an entry in ClinVar:

NM_005568.5(LHX1):c.1215G>A (p.Val405=)

Gene: LHX1 (LIM homeobox 1; plus strand). Cytogenetic location: 17q12.
Variant type: single nucleotide variant.
Coding change: c.1215G>A on transcript NM_005568.5 (MANE Select); coding-DNA position 1215, G replaced by A.
Protein change: p.Val405=; no amino-acid change (valine 405 retained).
Molecular consequence: synonymous variant.
Genome position (GRCh38, 1-based): chr17:36,943,125, G>A. VCF-style: chr17-36943125-G-A. GRCh37 (hg19) VCF-style: chr17-35300422-G-A.
Identifiers: ClinVar variation 3039185 (VCV003039185.2), dbSNP rs368870359, ClinGen allele CA8513888.
Genomic context (GRCh38, chr17:36,943,125, plus strand): 5'-CGGTGGGGCGAGCTACGGAAACCACCTGTCCCACCCCCCCGAAATGAACGAGGCGGCCGT[G>A]TGGTAGCGGGGTCTCGCACGGTCTGCGGAGTTCGTGGTTGTACAGAAATGAACCTTTATT-3'
Protein context (NP_005559.2, residues 395-406): SHPPEMNEAA[Val405=]W

ClinVar aggregate classification (germline): Likely benign (0 of 4 stars; one submission).

Conditions:
LHX1-related disorder. Also called: LHX1-related condition.

Allele frequency attached by ClinVar (database versions not stated): TOPMed 0.00001; gnomAD 0.00007; gnomAD exomes 0.00025; ExAC 0.00055.
gnomAD v4.1: 359 of 1,612,402 alleles (0.022%); highest among the groups gnomAD compares: South Asian, 0.39%; 7 homozygotes.

Submission:

PreventionGenetics, part of Exact Sciences
Classification: Likely benign for LHX1-related condition. Last evaluated: 2019-05-28. Review status: no assertion criteria provided. Collection method: clinical testing. Allele origin: germline.
Comment: This variant is classified as likely benign based on ACMG/AMP sequence variant interpretation guidelines (Richards et al. 2015 PMID: 25741868, with internal and published modifications).